The following is an entry in ClinVar:

NM_003475.4(RASSF7):c.234C>T (p.Ser78=)

Gene: RASSF7 (Ras association domain family member 7; plus strand). Cytogenetic location: 11p15.5.
Variant type: single nucleotide variant.
Coding change: c.234C>T on transcript NM_003475.4 (MANE Select); coding-DNA position 234, C replaced by T.
Protein change: p.Ser78=; no amino-acid change (serine 78 retained).
Molecular consequence: synonymous variant.
Genome position (GRCh38, 1-based): chr11:562,188, C>T. VCF-style: chr11-562188-C-T. GRCh37 (hg19) VCF-style: chr11-562188-C-T.
Other names: c.234C>T, p.Ser78= (NM_001143993.2, NM_001143994.2).
Identifiers: ClinVar variation 3905531 (VCV003905531.10).

ClinVar aggregate classification (germline): Likely benign (1 of 4 stars; one submission).

Submission:

CeGaT Center for Human Genetics Tuebingen
Classification: Likely benign. Last evaluated: 2025-05-01. Review status: criteria provided, single submitter. Criteria: CeGaT Center For Human Genetics Tuebingen Variant Classification Criteria Version 2. Collection method: clinical testing. Allele origin: germline. Affected: yes. Observed: 1 variant allele.
Comment: RASSF7: BP4, BP7